The following is an entry in ClinVar:

ClinVar aggregate classification (germline): Uncertain significance. Review status: criteria provided, multiple submitters, no conflicts (2 of 4 stars). 3 submissions from 3 submitters: Uncertain significance (3). Last evaluated 2022-11-26.

Conditions:
Inborn genetic diseases. Identifiers: MedGen C0950123, MeSH D030342.
Spastic paraplegia. Identifiers: MedGen C0037772, HP:0001258.

Submissions (3):

Labcorp Genetics (formerly Invitae), Labcorp
Classification: Uncertain significance for Spastic paraplegia. Last evaluated: 2022-11-26. Review status: criteria provided, single submitter. Criteria: Invitae Variant Classification Sherloc (09022015). Collection method: clinical testing. Allele origin: germline.
Comment: ClinVar contains an entry for this variant (Variation ID: 521184). This variant has not been reported in the literature in individuals affected with SLC16A2-related conditions. This variant is not present in population databases (gnomAD no frequency). This sequence change replaces phenylalanine, which is neutral and non-polar, with leucine, which is neutral and non-polar, at codon 164 of the SLC16A2 protein (p.Phe164Leu). Advanced modeling of protein sequence and biophysical properties (such as structural, functional, and spatial information, amino acid conservation, physicochemical variation, residue mobility, and thermodynamic stability) performed at Invitae indicates that this missense variant is not expected to disrupt SLC16A2 protein function. In summary, the available evidence is currently insufficient to determine the role of this variant in disease. Therefore, it has been classified as a Variant of Uncertain Significance.

Ambry Genetics
Classification: Uncertain significance for Inborn genetic diseases. Last evaluated: 2022-01-04. Review status: criteria provided, single submitter. Criteria: Ambry Variant Classification Scheme 2023. Collection method: clinical testing. Allele origin: germline.
Comment: The c.492C>A (p.F164L) alteration is located in exon 2 (coding exon 2) of the SLC16A2 gene. This alteration results from a C to A substitution at nucleotide position 492, causing the phenylalanine (F) at amino acid position 164 to be replaced by a leucine (L). This variant was not reported in population-based cohorts in the Genome Aggregation Database (gnomAD). This amino acid position is highly conserved in available vertebrate species. The p.F164L amino acid is located in a domain that is a member of the Major Facilitator Superfamily a large and diverse group of secondary transporters that includes uniporters, symporters, and antiporters. The in silico prediction for this alteration is inconclusive. Based on insufficient or conflicting evidence, the clinical significance of this alteration remains unclear.

GeneDx
Classification: Uncertain significance. Last evaluated: 2021-10-21. Review status: criteria provided, single submitter. Criteria: GeneDx Variant Classification Process June 2021. Collection method: clinical testing. Allele origin: germline. Affected: yes.
Comment: Has not been previously published as pathogenic or benign to our knowledge; Not observed at significant frequency in large population cohorts (Lek et al., 2016); In silico analysis supports that this missense variant does not alter protein structure/function

NM_006517.5(SLC16A2):c.492C>A (p.Phe164Leu)

Gene: SLC16A2 (solute carrier family 16 member 2; plus strand). Cytogenetic location: Xq13.2.
Variant type: single nucleotide variant.
Coding change: c.492C>A on transcript NM_006517.5 (MANE Select); coding-DNA position 492, C replaced by A.
Protein change: p.Phe164Leu; replaces phenylalanine 164 with leucine.
Molecular consequence: missense variant.
Genome position (GRCh38, 1-based): chrX:74,521,051, C>A. VCF-style: chrX-74521051-C-A. GRCh37 (hg19) VCF-style: chrX-73740886-C-A.
Other names: short protein forms F164L.
Identifiers: ClinVar variation 521184 (VCV000521184.10), dbSNP rs1555989369, ClinGen allele CA413656643.